The following is an entry in ClinVar:

NM_000257.4(MYH7):c.2208T>C (p.Ile736=)

Gene: MYH7 (myosin heavy chain 7; minus strand). Cytogenetic location: 14q11.2.
Variant type: single nucleotide variant.
Coding change: c.2208T>C on transcript NM_000257.4 (MANE Select); coding-DNA position 2208, T replaced by C.
Protein change: p.Ile736=; no amino-acid change (isoleucine 736 retained).
Molecular consequence: synonymous variant.
Genome position (GRCh38, 1-based): chr14:23,425,773, A>G on the plus strand (T>C on the coding strand, the complement: MYH7 is on the minus strand). VCF-style: chr14-23425773-A-G. GRCh37 (hg19) VCF-style: chr14-23894982-A-G.
Identifiers: ClinVar variation 1136756 (VCV001136756.16), dbSNP rs772879885, ClinGen allele CA031791.
Genomic context (GRCh38, chr14:23,425,773, plus strand): 5'-GTACTGGTTGTGATCAATGTCCAGGGAGCTGAGCAGCTTCTCTGCCCCCTTCCTGCTATC[A>G]ATGAACTGTCCCTCAGGGATGGCCGCTGGGTTCAGGATGCGATACCTGAGGAGGGAAGTG-3'
Protein context (NP_000248.2, residues 726-746): NPAAIPEGQF[Ile736=]DSRKGAEKLL

ClinVar aggregate classification (germline): Likely benign. Review status: criteria provided, multiple submitters, no conflicts (2 of 4 stars). 5 submissions from 5 submitters: Likely benign (5). Last evaluated 2025-03-13.

Conditions:
Cardiovascular phenotype. Identifiers: MedGen CN230736.
Hypertrophic cardiomyopathy. Also called: HYPERTROPHIC MYOCARDIOPATHY. Identifiers: Orphanet 217569, MedGen C0007194, MeSH D002312, MONDO:0005045, HP:0001639.
Cardiomyopathy (CMYO). Also called: Cardiomyopathies. Identifiers: Orphanet 167848, MedGen C0878544, MONDO:0004994, HP:0001638. Inheritance: Various modes of inheritance.

Allele frequency attached by ClinVar (database versions not stated): gnomAD exomes below 0.00001; ExAC 0.00001; gnomAD 0.00001; TOPMed 0.00001.
gnomAD v4.1: 12 of 1,613,860 alleles (0.00074%); highest among the groups gnomAD compares: Non-Finnish European, 0.00093%; no homozygotes.

Submissions (5):

Labcorp Genetics (formerly Invitae), Labcorp
Classification: Likely benign for Hypertrophic cardiomyopathy. Last evaluated: 2025-03-13. Review status: criteria provided, single submitter. Criteria: Invitae Variant Classification Sherloc (09022015). Collection method: clinical testing. Allele origin: germline.

All of Us Research Program, National Institutes of Health
Classification: Likely benign for Cardiomyopathy. Last evaluated: 2023-08-15. Review status: criteria provided, single submitter. Criteria: ACMG Guidelines, 2015. Collection method: clinical testing. Allele origin: germline. Inheritance: Autosomal dominant inheritance. Observed: 2 variant alleles, 2 heterozygotes.
Comment: This study involves interpretation of variants in research participants for the purpose of population health screening. Participant phenotype was not available at the time of variant classification. Additional details can be found in publication PMID: 35346344, PMCID: PMC8962531

Ambry Genetics
Classification: Likely benign for Cardiovascular phenotype. Last evaluated: 2023-05-04. Review status: criteria provided, single submitter. Criteria: Ambry Variant Classification Scheme 2023. Collection method: clinical testing. Allele origin: germline.

Color Diagnostics, LLC DBA Color Health
Classification: Likely benign for Cardiomyopathy. Last evaluated: 2021-12-07. Review status: criteria provided, single submitter. Criteria: ACMG Guidelines, 2015. Collection method: clinical testing. Allele origin: germline.

GeneDx
Classification: Likely benign. Last evaluated: 2021-02-24. Review status: criteria provided, single submitter. Criteria: GeneDx Variant Classification Process June 2021. Collection method: clinical testing. Allele origin: germline. Affected: yes.